The following is an entry in ClinVar:

ClinVar aggregate classification (germline): Uncertain significance (1 of 4 stars; one submission).

Conditions:
Inborn genetic diseases. Identifiers: MedGen C0950123, MeSH D030342.

gnomAD v4.1: 1 of 1,614,114 alleles (0.000062%); highest among the groups gnomAD compares: South Asian, 0.0011%; no homozygotes.

Submission:

Ambry Genetics
Classification: Uncertain significance for Inborn genetic diseases. Last evaluated: 2025-01-27. Review status: criteria provided, single submitter. Criteria: Ambry Variant Classification Scheme 2023. Collection method: clinical testing. Allele origin: germline.
Comment: The p.S210G variant (also known as c.628A>G), located in coding exon 6 of the USB1 gene, results from an A to G substitution at nucleotide position 628. The serine at codon 210 is replaced by glycine, an amino acid with similar properties. This amino acid position is conserved. In addition, this alteration is predicted to be deleterious by in silico analysis. Based on the available evidence, the clinical significance of this variant remains unclear.

NM_024598.4(USB1):c.628A>G (p.Ser210Gly)

Gene: USB1 (U6 snRNA biogenesis phosphodiesterase 1; plus strand). Cytogenetic location: 16q21.
Variant type: single nucleotide variant.
Coding change: c.628A>G on transcript NM_024598.4 (MANE Select); coding-DNA position 628, A replaced by G.
Protein change: p.Ser210Gly; replaces serine 210 with glycine.
Molecular consequence: missense variant.
Genome position (GRCh38, 1-based): chr16:58,018,990, A>G. VCF-style: chr16-58018990-A-G. GRCh37 (hg19) VCF-style: chr16-58052894-A-G.
Other names: c.574A>G, p.Ser192Gly (NM_001195302.2); c.475A>G, p.Ser159Gly (NM_001330568.2); short protein forms S159G, S192G, S210G.
Identifiers: ClinVar variation 3813886 (VCV003813886.1).